The following is an entry in ClinVar:

ClinVar aggregate classification (germline): Benign/Likely benign. Review status: criteria provided, multiple submitters, no conflicts (2 of 4 stars). 10 submissions from 7 submitters: Benign (6); Likely benign (4). Last evaluated 2026-09-20.

Conditions:
Autosomal recessive limb-girdle muscular dystrophy type 2J (LGMDR10). Also called: Limb-girdle muscular dystrophy, type 2J; MUSCULAR DYSTROPHY, LIMB-GIRDLE, AUTOSOMAL RECESSIVE 10. Identifiers: Orphanet 140922, MedGen C1837342, MONDO:0012127, OMIM 608807.
Dilated cardiomyopathy 1G (CMD1G). Identifiers: Orphanet 154, MedGen C1858763, MONDO:0011400, OMIM 604145.
TTN-related disorder. Also called: TTN-related condition; TTN-related disease; TTN-related disorders.
Cardiomyopathy (CMYO). Also called: Cardiomyopathies. Identifiers: Orphanet 167848, MedGen C0878544, MONDO:0004994, HP:0001638. Inheritance: Various modes of inheritance.
Myopathy, myofibrillar, 9, with early respiratory failure (MFM9). Also called: Hereditary myopathy with early respiratory failure; MYOPATHY, PROXIMAL, WITH EARLY RESPIRATORY MUSCLE INVOLVEMENT; EDSTROM MYOPATHY; Myopathy, distal, with early respiratory failure, autosomal dominant. Identifiers: Orphanet 178464, Orphanet 34521, MedGen C1863599, MONDO:0011362, OMIM 603689.
Tibial muscular dystrophy (TMD). Also called: Udd Distal Myopathy – Tibial Muscular Dystrophy; UDD MYOPATHY; Tibial muscular dystrophy, tardive. Identifiers: Orphanet 609, MedGen C1838244, MONDO:0010870, OMIM 600334.
Early-onset myopathy with fatal cardiomyopathy (CMYO5). Also called: Salih Myopathy; CONGENITAL MYOPATHY 5 WITH CARDIOMYOPATHY. Identifiers: Orphanet 289377, MedGen C2673677, MONDO:0012714, OMIM 611705. Disease mechanism: loss of function.

Allele frequency attached by ClinVar (database versions not stated): gnomAD 0.00006 and 0.00009; gnomAD exomes 0.00011 and 0.00027; TOPMed 0.00017; ExAC 0.00022; 1000 Genomes Project 30x 0.00031; 1000 Genomes Project 0.00040.
gnomAD v4.1: 167 of 1,613,438 alleles (0.01%); highest among the groups gnomAD compares: East Asian, 0.34%; 1 homozygote.

Submissions (10):

PreventionGenetics, part of Exact Sciences
Classification: Likely benign for TTN-related condition. Last evaluated: 2026-09-20. Review status: criteria provided, single submitter. Criteria: ACMG Guidelines, 2015. Collection method: clinical testing. Allele origin: germline.
Comment: This variant is classified as likely benign based on ACMG/AMP sequence variant interpretation guidelines (Richards et al. 2015 PMID: 25741868, with internal and published modifications).

Labcorp Genetics (formerly Invitae), Labcorp
Classification: Likely benign for Dilated cardiomyopathy 1G; Autosomal recessive limb-girdle muscular dystrophy type 2J. Last evaluated: 2025-12-29. Review status: criteria provided, single submitter. Criteria: Invitae Variant Classification Sherloc (09022015). Collection method: clinical testing. Allele origin: germline.

Women's Health and Genetics/Laboratory Corporation of America, LabCorp
Classification: Benign. Last evaluated: 2024-04-04. Review status: criteria provided, single submitter. Criteria: LabCorp Variant Classification Summary - May 2015. Collection method: clinical testing. Allele origin: germline.
Comment: Variant summary: TTN c.54445A>G (p.Arg18149Gly) results in a non-conservative amino acid change located in the A-band region of the encoded protein sequence. Three of four in-silico tools predict a damaging effect of the variant on protein function. The variant allele was found at a frequency of 0.0001 in 1606474 control chromosomes, predominantly at a frequency of 0.0034 within the East Asian subpopulation in the gnomAD database, including 1 homozygote. In addition, the variant was also reported in 1 homozygote in healthy Japanese individuals in the jMorp database [PMID: 33179747]. The relatively high allele frequency in East Asians, together with the occurrences in homozygotes suggests that the variant could be a benign polymorphism. To our knowledge, no occurrence of c.54445A>G in individuals affected with Limb-Girdle Muscular Dystrophy, Type 2J and no experimental evidence demonstrating its impact on protein function have been reported. ClinVar contains an entry for this variant (Variation ID: 467346). Based on the evidence outlined above, the variant was as benign.

Genome-Nilou Lab
Classification: Benign for Autosomal recessive limb-girdle muscular dystrophy type 2J. Last evaluated: 2021-09-10. Review status: criteria provided, single submitter. Criteria: ACMG Guidelines, 2015. Collection method: clinical testing. Allele origin: germline. Affected: no.

Genome-Nilou Lab
Classification: Benign for Myopathy, myofibrillar, 9, with early respiratory failure. Last evaluated: 2021-09-10. Review status: criteria provided, single submitter. Criteria: ACMG Guidelines, 2015. Collection method: clinical testing. Allele origin: germline. Affected: no.

Genome-Nilou Lab
Classification: Benign for Early-onset myopathy with fatal cardiomyopathy. Last evaluated: 2021-09-10. Review status: criteria provided, single submitter. Criteria: ACMG Guidelines, 2015. Collection method: clinical testing. Allele origin: germline. Affected: no.

Genome-Nilou Lab
Classification: Benign for Tibial muscular dystrophy. Last evaluated: 2021-09-10. Review status: criteria provided, single submitter. Criteria: ACMG Guidelines, 2015. Collection method: clinical testing. Allele origin: germline. Affected: no.

GeneDx
Classification: Likely benign. Last evaluated: 2019-06-28. Review status: criteria provided, single submitter. Criteria: GeneDx Variant Classification Process June 2021. Collection method: clinical testing. Allele origin: germline. Affected: yes.

Athena Diagnostics
Classification: Likely benign. Last evaluated: 2018-03-28. Review status: criteria provided, single submitter. Criteria: Athena Diagnostics Criteria. Collection method: clinical testing. Allele origin: germline.

CHEO Genetics Diagnostic Laboratory, Children's Hospital of Eastern Ontario
Classification: Benign for Cardiomyopathy. Last evaluated: 2018-01-31. Review status: criteria provided, single submitter. Criteria: ACMG Guidelines, 2015. Collection method: clinical testing. Allele origin: germline.

NM_001267550.2(TTN):c.62149A>G (p.Arg20717Gly)

Genes: TTN (titin; minus strand), TTN-AS1 (TTN antisense RNA 1; plus strand). Cytogenetic location: 2q31.2.
Variant type: single nucleotide variant.
Coding change: c.62149A>G on transcript NM_001267550.2 (MANE Select); coding-DNA position 62149, A replaced by G.
Protein change: p.Arg20717Gly; replaces arginine 20717 with glycine.
Molecular consequence: missense variant.
Genome position (GRCh38, 1-based): chr2:178,589,576, T>C on the plus strand (A>G on the coding strand, the complement: TTN is on the minus strand). VCF-style: chr2-178589576-T-C. GRCh37 (hg19) VCF-style: chr2-179454303-T-C.
Other names: c.62149A>G (LRG_391t1); c.57226A>G, p.Arg19076Gly (NM_001256850.1); c.34954A>G, p.Arg11652Gly (NM_003319.4); c.54445A>G, p.Arg18149Gly (NM_133378.4); c.35329A>G, p.Arg11777Gly (NM_133432.3); c.35530A>G, p.Arg11844Gly (NM_133437.4); short protein forms R20717G, R19076G, R11652G, R18149G, R11777G, R11844G.
Identifiers: ClinVar variation 467346 (VCV000467346.21), dbSNP rs75458912, ClinGen allele CA1992261.
Genomic context (GRCh38, chr2:178,589,576, plus strand): 5'-GGTTTTCAACACATCTGTCAACCATGTAGTGAGTTTCTTTAATGCTTCCTTTATGCACTC[T>C]TTCCCAGTCATCGGAGCCCTTAAGCCTTCTCTCAACATGATATGACAGATTTGGACTGCC-3'
Protein context (NP_001254479.2, residues 20707-20727): RRLKGSDDWE[Arg20717Gly]VHKGSIKETH